The following is an entry in ClinVar:

ClinVar aggregate classification (germline): Uncertain significance (1 of 4 stars; one submission).

Conditions:
Hajdu-Cheney syndrome (HJCYS). Also called: ACROOSTEOLYSIS WITH OSTEOPOROSIS AND CHANGES IN SKULL AND MANDIBLE; Acroosteolysis dominant type; SERPENTINE FIBULA-POLYCYSTIC KIDNEY SYNDROME. Identifiers: Orphanet 955, MedGen C0917715, MONDO:0007057, OMIM 102500.

Allele frequency attached by ClinVar (database versions not stated): TOPMed 0.00001.

Submission:

Labcorp Genetics (formerly Invitae), Labcorp
Classification: Uncertain significance for Hajdu-Cheney syndrome. Last evaluated: 2025-07-22. Review status: criteria provided, single submitter. Criteria: Invitae Variant Classification Sherloc (09022015). Collection method: clinical testing. Allele origin: germline.
Comment: This sequence change replaces glycine, which is neutral and non-polar, with cysteine, which is neutral and slightly polar, at codon 1232 of the NOTCH2 protein (p.Gly1232Cys). This variant is present in population databases (no rsID available, gnomAD 0.0009%). This variant has not been reported in the literature in individuals affected with NOTCH2-related conditions. ClinVar contains an entry for this variant (Variation ID: 2778814). Invitae Evidence Modeling of protein sequence and biophysical properties (such as structural, functional, and spatial information, amino acid conservation, physicochemical variation, residue mobility, and thermodynamic stability) indicates that this missense variant is not expected to disrupt NOTCH2 protein function with a negative predictive value of 80%. In summary, the available evidence is currently insufficient to determine the role of this variant in disease. Therefore, it has been classified as a Variant of Uncertain Significance.

NM_024408.4(NOTCH2):c.3694G>T (p.Gly1232Cys)

Gene: NOTCH2 (notch receptor 2; minus strand). Cytogenetic location: 1p12.
Variant type: single nucleotide variant.
Coding change: c.3694G>T on transcript NM_024408.4 (MANE Select); coding-DNA position 3694, G replaced by T.
Protein change: p.Gly1232Cys; replaces glycine 1232 with cysteine.
Molecular consequence: missense variant.
Genome position (GRCh38, 1-based): chr1:119,929,174, C>A on the plus strand (G>T on the coding strand, the complement: NOTCH2 is on the minus strand). VCF-style: chr1-119929174-C-A. GRCh37 (hg19) VCF-style: chr1-120471797-C-A.
Other names: short protein forms G1232C.
Identifiers: ClinVar variation 2778814 (VCV002778814.3), dbSNP rs1217252161, ClinGen allele CA341894596.